The following is an entry in ClinVar:

ClinVar aggregate classification (germline): Uncertain significance (1 of 4 stars; one submission).

Submission:

GeneDx
Classification: Uncertain significance. Last evaluated: 2023-02-28. Review status: criteria provided, single submitter. Criteria: GeneDx Variant Classification Process June 2021. Collection method: clinical testing. Allele origin: germline. Affected: yes.
Comment: Not observed at significant frequency in large population cohorts (gnomAD); In silico analysis supports that this missense variant has a deleterious effect on protein structure/function; Has not been previously published as pathogenic or benign to our knowledge

NM_144498.4(OSBPL2):c.841C>A (p.His281Asn)

Gene: OSBPL2 (oxysterol binding protein like 2; plus strand). Cytogenetic location: 20q13.33.
Variant type: single nucleotide variant.
Coding change: c.841C>A on transcript NM_144498.4 (MANE Select); coding-DNA position 841, C replaced by A.
Protein change: p.His281Asn; replaces histidine 281 with asparagine.
Molecular consequence: missense variant.
Genome position (GRCh38, 1-based): chr20:62,281,848, C>A. VCF-style: chr20-62281848-C-A. GRCh37 (hg19) VCF-style: chr20-60856904-C-A.
Other names: c.565C>A, p.His189Asn (NM_001278649.3, NM_001363878.2); c.805C>A, p.His269Asn (NM_014835.5); short protein forms H189N, H269N, H281N.
Identifiers: ClinVar variation 2578146 (VCV002578146.1), dbSNP rs2516544938, ClinGen allele CA409546210.